The following is an entry in ClinVar:

NC_000010.10:g.(90986762_90987956)_(90988156_91005432)del

Gene: LIPA (lipase A, lysosomal acid type; minus strand). Cytogenetic location: 10q23.31.
Variant type: Deletion.
Identifiers: ClinVar variation 1723279 (VCV001723279.1).

ClinVar aggregate classification (germline): Pathogenic (1 of 4 stars; one submission).

Conditions:
Wolman disease (WOLD). Also called: Acid cholesteryl ester hydrolase deficiency, Wolman type; Acid lipase disease; LYSOSOMAL ACID LIPASE DEFICIENCY, ACUTE INFANTILE; LYSOSOMAL ACID LIPASE DEFICIENCY, COMPLETE; LIPA DEFICIENCY, COMPLETE; LAL DEFICIENCY, COMPLETE. Identifiers: Orphanet 75233, MedGen C0043208, MONDO:0019148, OMIM 620151.

Submission:

Women's Health and Genetics/Laboratory Corporation of America, LabCorp
Classification: Pathogenic for Wolman disease. Last evaluated: 2022-10-11. Review status: criteria provided, single submitter. Criteria: LabCorp Variant Classification Summary - May 2015. Collection method: clinical testing. Allele origin: germline.
Comment: Variant summary: The variant identified by MLPA or other technology involves the deletion of exon 4 in the LIPA gene. A presumed nomenclature of c.(229+1_230-1)_(428+1_429-1)del has been designated for the purposes of this classification. Although the exact breakpoints of this deletion are not known, it is expected to result in a frameshift in the LIPA gene, a known mechanism of disease. The variant was absent in 21694 control chromosomes (gnomAD Structural Variants dataset). An exon 4 deletion variant, described as c.230-106_428+541del, has been reported in 2 compound heterozygous individuals within the same family who were affected with Lysosomal Acid Lipase Deficiency (Pullinger_2015). In addition, exon 4 deletion described at the cDNA level (with no genotype level information available), has been also reported in an individual affected with Wolman disease (Anderson_1999), where patient derived fibroblasts demonstrated less than 1% of the normal enzyme activity. These data indicate that the variant is likely associated with disease. One clinical diagnostic laboratory has submitted clinical-significance assessments for this variant to ClinVar after 2014 and classified the variant as pathogenic. Based on the evidence outlined above, the variant was classified as pathogenic.

Literature cited by the submitters: PubMed 10562460; PubMed 26350820.